The following is an entry in ClinVar:

ClinVar aggregate classification (germline): Uncertain significance. Review status: criteria provided, multiple submitters, no conflicts (2 of 4 stars). 2 submissions from 2 submitters: Uncertain significance (2). Last evaluated 2026-06-17.

Allele frequency attached by ClinVar (database versions not stated): TOPMed below 0.00001; gnomAD 0.00001.
gnomAD v4.1: 4 of 1,611,902 alleles (0.00025%); highest among the groups gnomAD compares: Admixed American, 0.005%; no homozygotes.

Submissions (2):

GeneDx
Classification: Uncertain significance. Last evaluated: 2026-06-17. Review status: criteria provided, single submitter. Criteria: GeneDx Variant Classification Process June 2021. Collection method: clinical testing. Allele origin: germline.
Comment: Not observed at significant frequency in large population cohorts (gnomAD); In silico analysis suggests that this missense variant does not alter protein structure/function; Has not been previously published as pathogenic or benign to our knowledge

Labcorp Genetics (formerly Invitae), Labcorp
Classification: Uncertain significance. Last evaluated: 2022-07-11. Review status: criteria provided, single submitter. Criteria: Invitae Variant Classification Sherloc (09022015). Collection method: clinical testing. Allele origin: germline.
Comment: This sequence change replaces proline, which is neutral and non-polar, with alanine, which is neutral and non-polar, at codon 433 of the RUSC2 protein (p.Pro433Ala). This variant is not present in population databases (gnomAD no frequency). This variant has not been reported in the literature in individuals affected with RUSC2-related conditions. Algorithms developed to predict the effect of missense changes on protein structure and function are either unavailable or do not agree on the potential impact of this missense change (SIFT: "Deleterious"; PolyPhen-2: "Benign"; Align-GVGD: "Class C0"). In summary, the available evidence is currently insufficient to determine the role of this variant in disease. Therefore, it has been classified as a Variant of Uncertain Significance.

NM_014806.5(RUSC2):c.1297C>G (p.Pro433Ala)

Gene: RUSC2 (RUN and SH3 domain containing 2; plus strand). Cytogenetic location: 9p13.3.
Variant type: single nucleotide variant.
Coding change: c.1297C>G on transcript NM_014806.5 (MANE Select); coding-DNA position 1297, C replaced by G.
Protein change: p.Pro433Ala; replaces proline 433 with alanine.
Molecular consequence: missense variant. On other transcripts: non-coding transcript variant (1), intron variant (1).
Genome position (GRCh38, 1-based): chr9:35,547,818, C>G. VCF-style: chr9-35547818-C-G. GRCh37 (hg19) VCF-style: chr9-35547815-C-G.
Other names: c.1297C>G (NM_001135999.1); c.1297C>G, p.Pro433Ala (NM_001135999.2); c.-620-7242C>G (NM_001330740.2); short protein forms P433A.
Identifiers: ClinVar variation 2072421 (VCV002072421.3), dbSNP rs1780055695, ClinGen allele CA373332382.
Genomic context (GRCh38, chr9:35,547,818, plus strand): 5'-GCTGGCTCTTCCATCACTAGCTGCTCTGAGGAACACACCAAGATAAGTCCCCCACCAGGC[C>G]CTGGCCCAGACCCAGGCCCCAGCCAGCCCTCTGAGTATTACCTATTCCAGAAGCCAGAAG-3'
Protein context (NP_055621.2, residues 423-443): EHTKISPPPG[Pro433Ala]GPDPGPSQPS